The following is an entry in ClinVar:

NM_015267.4(CUX2):c.2483A>G (p.Asp828Gly)

Gene: CUX2 (cut like homeobox 2; plus strand). Cytogenetic location: 12q24.12.
Variant type: single nucleotide variant.
Coding change: c.2483A>G on transcript NM_015267.4 (MANE Select); coding-DNA position 2483, A replaced by G.
Protein change: p.Asp828Gly; replaces aspartic acid 828 with glycine.
Molecular consequence: missense variant.
Genome position (GRCh38, 1-based): chr12:111,320,492, A>G. VCF-style: chr12-111320492-A-G. GRCh37 (hg19) VCF-style: chr12-111758296-A-G.
Other names: c.2297A>G, p.Asp766Gly (NM_001370598.1); short protein forms D766G, D828G.
Identifiers: ClinVar variation 3572638 (VCV003572638.1).
Genomic context (GRCh38, chr12:111,320,492, plus strand): 5'-CCTCCTCCTCCTCCTCTGGCTACTCTGGCCAGCCCAACGGCCGCGCCTGGCCCCGCGGGG[A>G]CGAGGCCCCTGTGCCCCCCGAGGACGAGGCGGCGGCAGGGGCGGAGGACGAACCCCCCAG-3'
Protein context (NP_056082.2, residues 818-838): QPNGRAWPRG[Asp828Gly]EAPVPPEDEA

ClinVar aggregate classification (germline): Uncertain significance (1 of 4 stars; one submission).

gnomAD v4.1: 3 of 1,584,654 alleles (0.00019%); highest among the groups gnomAD compares: Non-Finnish European, 0.00026%; no homozygotes.

Submission:

GeneDx
Classification: Uncertain significance. Last evaluated: 2024-07-07. Review status: criteria provided, single submitter. Criteria: GeneDx Variant Classification Process June 2021. Collection method: clinical testing. Allele origin: germline. Affected: yes.
Comment: Not observed at significant frequency in large population cohorts (gnomAD); In silico analysis indicates that this missense variant does not alter protein structure/function; Has not been previously published as pathogenic or benign to our knowledge